The following is an entry in ClinVar:

NM_022552.5(DNMT3A):c.1246C>A (p.Pro416Thr)

Gene: DNMT3A (DNA methyltransferase 3 alpha; minus strand). Cytogenetic location: 2p23.3.
Variant type: single nucleotide variant.
Coding change: c.1246C>A on transcript NM_022552.5 (MANE Select); coding-DNA position 1246, C replaced by A.
Protein change: p.Pro416Thr; replaces proline 416 with threonine.
Molecular consequence: missense variant. On other transcripts: non-coding transcript variant (1).
Genome position (GRCh38, 1-based): chr2:25,246,653, G>T on the plus strand (C>A on the coding strand, the complement: DNMT3A is on the minus strand). VCF-style: chr2-25246653-G-T. GRCh37 (hg19) VCF-style: chr2-25469522-G-T.
Other names: c.790C>A, p.Pro264Thr (NM_001320893.1); c.577C>A, p.Pro193Thr (NM_001375819.1); c.679C>A, p.Pro227Thr (NM_153759.3); c.1246C>A, p.Pro416Thr (NM_175629.2); short protein forms P193T, P227T, P264T, P416T.
Identifiers: ClinVar variation 4870019 (VCV004870019.1).

ClinVar aggregate classification (germline): Uncertain significance (1 of 4 stars; one submission).

Conditions:
Inborn genetic diseases. Identifiers: MedGen C0950123, MeSH D030342.

Submission:

Ambry Genetics
Classification: Uncertain significance for Inborn genetic diseases. Last evaluated: 2026-04-30. Review status: criteria provided, single submitter. Criteria: Ambry Variant Classification Scheme 2023. Collection method: clinical testing. Allele origin: germline.
Comment: The p.P416T variant (also known as c.1246C>A), located in coding exon 9 of the DNMT3A gene, results from a C to A substitution at nucleotide position 1246. The proline at codon 416 is replaced by threonine, an amino acid with highly similar properties. This amino acid position is conserved. In addition, this alteration is predicted to be deleterious by in silico analysis. Based on the available evidence, the clinical significance of this variant remains unclear.